The following is an entry in ClinVar:

NM_000747.3(CHRNB1):c.1162G>T (p.Asp388Tyr)

Gene: CHRNB1 (cholinergic receptor nicotinic beta 1 subunit; plus strand). Cytogenetic location: 17p13.1.
Variant type: single nucleotide variant.
Coding change: c.1162G>T on transcript NM_000747.3 (MANE Select); coding-DNA position 1162, G replaced by T.
Protein change: p.Asp388Tyr; replaces aspartic acid 388 with tyrosine.
Molecular consequence: missense variant.
Genome position (GRCh38, 1-based): chr17:7,455,401, G>T. VCF-style: chr17-7455401-G-T. GRCh37 (hg19) VCF-style: chr17-7358720-G-T.
Other names: short protein forms D388Y.
Identifiers: ClinVar variation 3008024 (VCV003008024.3), dbSNP rs1567679879, ClinGen allele CA397801218.

ClinVar aggregate classification (germline): Uncertain significance (1 of 4 stars; one submission).

Conditions:
Congenital myasthenic syndrome 2A. Also called: Myasthenic syndrome, congenital, 2a, slow-channel. Identifiers: Orphanet 590, MedGen C4225374, MONDO:0014581, OMIM 616313.

Allele frequency attached by ClinVar (database versions not stated): gnomAD exomes below 0.00001.
gnomAD v4.1: 1 of 1,614,164 alleles (0.000062%); highest among the groups gnomAD compares: East Asian, 0.0022%; no homozygotes.

Submission:

Labcorp Genetics (formerly Invitae), Labcorp
Classification: Uncertain significance for Congenital myasthenic syndrome 2A. Last evaluated: 2022-10-27. Review status: criteria provided, single submitter. Criteria: Invitae Variant Classification Sherloc (09022015). Collection method: clinical testing. Allele origin: germline.
Comment: In summary, the available evidence is currently insufficient to determine the role of this variant in disease. Therefore, it has been classified as a Variant of Uncertain Significance. Advanced modeling of protein sequence and biophysical properties (such as structural, functional, and spatial information, amino acid conservation, physicochemical variation, residue mobility, and thermodynamic stability) performed at Invitae indicates that this missense variant is not expected to disrupt CHRNB1 protein function. This variant has not been reported in the literature in individuals affected with CHRNB1-related conditions. This variant is not present in population databases (gnomAD no frequency). This sequence change replaces aspartic acid, which is acidic and polar, with tyrosine, which is neutral and polar, at codon 388 of the CHRNB1 protein (p.Asp388Tyr).